The following is an entry in ClinVar:

ClinVar aggregate classification (germline): Likely benign (0 of 4 stars; one submission).

Conditions:
IGSF10-related disorder. Also called: IGSF10-related condition.

Allele frequency attached by ClinVar (database versions not stated): gnomAD exomes 0.00003; ExAC 0.00007; ESP Exome Variant Server 0.00008; 1000 Genomes Project 30x 0.00016; gnomAD 0.00016; 1000 Genomes Project 0.00020; TOPMed 0.00024.
gnomAD v4.1: 65 of 1,614,012 alleles (0.004%); highest among the groups gnomAD compares: African/African-American, 0.033%; no homozygotes.

Submission:

PreventionGenetics, part of Exact Sciences
Classification: Likely benign for IGSF10-related condition. Last evaluated: 2019-11-27. Review status: no assertion criteria provided. Collection method: clinical testing. Allele origin: germline.
Comment: This variant is classified as likely benign based on ACMG/AMP sequence variant interpretation guidelines (Richards et al. 2015 PMID: 25741868, with internal and published modifications).

NM_178822.5(IGSF10):c.3537G>A (p.Ser1179=)

Gene: IGSF10 (immunoglobulin superfamily member 10; minus strand). Cytogenetic location: 3q25.1.
Variant type: single nucleotide variant.
Coding change: c.3537G>A on transcript NM_178822.5 (MANE Select); coding-DNA position 3537, G replaced by A.
Protein change: p.Ser1179=; no amino-acid change (serine 1179 retained).
Molecular consequence: synonymous variant.
Genome position (GRCh38, 1-based): chr3:151,446,444, C>T on the plus strand (G>A on the coding strand, the complement: IGSF10 is on the minus strand). VCF-style: chr3-151446444-C-T. GRCh37 (hg19) VCF-style: chr3-151164232-C-T.
Other names: c.3537G>A, p.Ser1179= (NM_001385060.1, NM_001385061.1, NM_001385062.1 and 1 more transcripts).
Identifiers: ClinVar variation 3048725 (VCV003048725.2), dbSNP rs181702818, ClinGen allele CA2670151.